The following is an entry in ClinVar:

ClinVar aggregate classification (germline): Uncertain significance (1 of 4 stars; one submission).

gnomAD v4.1: 1 of 1,614,050 alleles (0.000062%); highest among the groups gnomAD compares: Non-Finnish European, 0.000085%; no homozygotes.

Submission:

GeneDx
Classification: Uncertain significance. Last evaluated: 2026-02-10. Review status: criteria provided, single submitter. Criteria: GeneDx Variant Classification Process June 2021. Collection method: clinical testing. Allele origin: germline.
Comment: Not observed at significant frequency in large population cohorts (gnomAD); In silico analysis suggests that this missense variant does not alter protein structure/function; Has not been previously published as pathogenic or benign to our knowledge

NM_020436.5(SALL4):c.1534T>C (p.Ser512Pro)

Gene: SALL4 (spalt like transcription factor 4; minus strand). Cytogenetic location: 20q13.2.
Variant type: single nucleotide variant.
Coding change: c.1534T>C on transcript NM_020436.5 (MANE Select); coding-DNA position 1534, T replaced by C.
Protein change: p.Ser512Pro; replaces serine 512 with proline.
Molecular consequence: missense variant. On other transcripts: intron variant (1).
Genome position (GRCh38, 1-based): chr20:51,790,949, A>G on the plus strand (T>C on the coding strand, the complement: SALL4 is on the minus strand). VCF-style: chr20-51790949-A-G. GRCh37 (hg19) VCF-style: chr20-50407488-A-G.
Other names: c.1150+384T>C (NM_001318031.2); short protein forms S512P.
Identifiers: ClinVar variation 4976089 (VCV004976089.1).